The following is an entry in ClinVar:

NM_006384.4(CIB1):c.284T>C (p.Leu95Pro)

Gene: CIB1 (calcium and integrin binding 1; minus strand). Cytogenetic location: 15q26.1.
Variant type: single nucleotide variant.
Coding change: c.284T>C on transcript NM_006384.4 (MANE Select); coding-DNA position 284, T replaced by C.
Protein change: p.Leu95Pro; replaces leucine 95 with proline.
Molecular consequence: missense variant. On other transcripts: non-coding transcript variant (2).
Genome position (GRCh38, 1-based): chr15:90,231,419, A>G on the plus strand (T>C on the coding strand, the complement: CIB1 is on the minus strand). VCF-style: chr15-90231419-A-G. GRCh37 (hg19) VCF-style: chr15-90774651-A-G.
Other names: c.404T>C, p.Leu135Pro (NM_001277764.2); short protein forms L135P, L95P.
Identifiers: ClinVar variation 1472994 (VCV001472994.6), dbSNP rs766485187, ClinGen allele CA7734250.

ClinVar aggregate classification (germline): Uncertain significance (1 of 4 stars; one submission).

Allele frequency attached by ClinVar (database versions not stated): ExAC 0.00001; gnomAD exomes 0.00001; TOPMed 0.00001.
gnomAD v4.1: 41 of 1,614,196 alleles (0.0025%); highest among the groups gnomAD compares: Non-Finnish European, 0.0035%; no homozygotes.

Submission:

Labcorp Genetics (formerly Invitae), Labcorp
Classification: Uncertain significance. Last evaluated: 2021-03-20. Review status: criteria provided, single submitter. Criteria: Invitae Variant Classification Sherloc (09022015). Collection method: clinical testing. Allele origin: germline.
Comment: In summary, the available evidence is currently insufficient to determine the role of this variant in disease. Therefore, it has been classified as a Variant of Uncertain Significance. Algorithms developed to predict the effect of missense changes on protein structure and function are either unavailable or do not agree on the potential impact of this missense change (SIFT: "Deleterious"; PolyPhen-2: "Not Available"; Align-GVGD: "Class C35"). This variant has not been reported in the literature in individuals with CIB1-related conditions. This variant is present in population databases (rs766485187, ExAC 0.002%). This sequence change replaces leucine with proline at codon 135 of the CIB1 protein (p.Leu135Pro). The leucine residue is highly conserved and there is a moderate physicochemical difference between leucine and proline.